The following is an entry in ClinVar:

NM_005554.4(KRT6A):c.939C>A (p.Ile313=)

Gene: KRT6A (keratin 6A; minus strand). Cytogenetic location: 12q13.13.
Variant type: single nucleotide variant.
Coding change: c.939C>A on transcript NM_005554.4 (MANE Select); coding-DNA position 939, C replaced by A.
Protein change: p.Ile313=; no amino-acid change (isoleucine 313 retained).
Molecular consequence: synonymous variant.
Genome position (GRCh38, 1-based): chr12:52,490,707, G>T on the plus strand (C>A on the coding strand, the complement: KRT6A is on the minus strand). VCF-style: chr12-52490707-G-T. GRCh37 (hg19) VCF-style: chr12-52884491-G-T.
Identifiers: ClinVar variation 2914614 (VCV002914614.5), dbSNP rs374415163, ClinGen allele CA6582043.

ClinVar aggregate classification (germline): Likely benign. Review status: criteria provided, single submitter (1 of 4 stars). 2 submissions from 2 submitters: Likely benign (1). 1 of the submissions does not count toward it. Last evaluated 2023-01-25.

Conditions:
KRT6A-related disorder. Also called: KRT6A-related condition.

Allele frequency attached by ClinVar (database versions not stated): ExAC 0.00012; TOPMed 0.00012; gnomAD 0.00013; ESP Exome Variant Server 0.00015.
gnomAD v4.1: 466 of 1,614,130 alleles (0.029%); highest among the groups gnomAD compares: Non-Finnish European, 0.038%; no homozygotes.

Submissions (2):

Labcorp Genetics (formerly Invitae), Labcorp
Classification: Likely benign. Last evaluated: 2023-01-25. Review status: criteria provided, single submitter. Criteria: Invitae Variant Classification Sherloc (09022015). Collection method: clinical testing. Allele origin: germline.

PreventionGenetics, part of Exact Sciences
Classification: Likely benign for KRT6A-related condition. Last evaluated: 2022-06-27. Review status: no assertion criteria provided. Collection method: clinical testing. Allele origin: germline. Not counted in ClinVar's aggregate classification.
Comment: This variant is classified as likely benign based on ACMG/AMP sequence variant interpretation guidelines (Richards et al. 2015 PMID: 25741868, with internal and published modifications).